The following is an entry in ClinVar:

NM_001365276.2(TNXB):c.4903C>A (p.Leu1635Met)

Gene: TNXB (tenascin XB; minus strand). Cytogenetic location: 6p21.33.
Variant type: single nucleotide variant.
Coding change: c.4903C>A on transcript NM_001365276.2 (MANE Select); coding-DNA position 4903, C replaced by A.
Protein change: p.Leu1635Met; replaces leucine 1635 with methionine.
Molecular consequence: missense variant.
Genome position (GRCh38, 1-based): chr6:32,072,077, G>T on the plus strand (C>A on the coding strand, the complement: TNXB is on the minus strand). VCF-style: chr6-32072077-G-T. GRCh37 (hg19) VCF-style: chr6-32039854-G-T.
Other names: c.5644C>A, p.Leu1882Met (NM_001428335.1); c.4903C>A, p.Leu1635Met (NM_019105.8); short protein forms L1635M, L1882M.
Identifiers: ClinVar variation 4615165 (VCV004615165.1).
Genomic context (GRCh38, chr6:32,072,077, plus strand): 5'-TGCGTCGTTTCCCATCCTGGATCCCAAAGAGCAGGAACTTGTACTTGCGGGAGGGTTCCA[G>T]GTCAGGGATAGTGACCTCCCGCTGATCTGCAGCCACGGGCACCACCTGGGGCTGCCCGTC-3'
Protein context (NP_001352205.1, residues 1625-1645): ADQREVTIPD[Leu1635Met]EPSRKYKFLL

ClinVar aggregate classification (germline): Uncertain significance (1 of 4 stars; one submission).

Conditions:
Cardiovascular phenotype. Identifiers: MedGen CN230736.

gnomAD v4.1: 1 of 1,612,960 alleles (0.000062%); highest among the groups gnomAD compares: African/African-American, 0.0013%; no homozygotes.

Submission:

Ambry Genetics
Classification: Uncertain significance for Cardiovascular phenotype. Last evaluated: 2025-10-27. Review status: criteria provided, single submitter. Criteria: Ambry Variant Classification Scheme 2023. Collection method: clinical testing. Allele origin: germline.
Comment: The p.L1635M variant (also known as c.4903C>A), located in coding exon 12 of the TNXB gene, results from a C to A substitution at nucleotide position 4903. The leucine at codon 1635 is replaced by methionine, an amino acid with highly similar properties. This amino acid position is conserved. In addition, the in silico prediction for this alteration is inconclusive. Based on the available evidence, the clinical significance of this variant remains unclear.